The following is an entry in ClinVar:

ClinVar aggregate classification (germline): Uncertain significance (1 of 4 stars; one submission).

Conditions:
CENPF-related disorder. Also called: CENPF-related condition.

Allele frequency attached by ClinVar (database versions not stated): gnomAD exomes 0.00001; ExAC 0.00003; gnomAD 0.00007; ESP Exome Variant Server 0.00015; TOPMed 0.00015.
gnomAD v4.1: 24 of 1,604,954 alleles (0.0015%); highest among the groups gnomAD compares: African/African-American, 0.03%; no homozygotes.

Submission:

PreventionGenetics, part of Exact Sciences
Classification: Uncertain significance for CENPF-related condition. Last evaluated: 2026-02-20. Review status: criteria provided, single submitter. Criteria: ACMG Guidelines, 2015. Collection method: clinical testing. Allele origin: germline.
Comment: The CENPF c.2618T>G variant is predicted to result in the amino acid substitution p.Met873Arg. To our knowledge, this variant has not been reported in the literature. This variant is reported in 0.040% of alleles in individuals of African descent in gnomAD. At this time, the clinical significance of this variant is uncertain due to the absence of conclusive functional and genetic evidence.

NM_016343.4(CENPF):c.2618T>G (p.Met873Arg)

Gene: CENPF (centromere protein F; plus strand). Cytogenetic location: 1q41.
Variant type: single nucleotide variant.
Coding change: c.2618T>G on transcript NM_016343.4 (MANE Select); coding-DNA position 2618, T replaced by G.
Protein change: p.Met873Arg; replaces methionine 873 with arginine.
Molecular consequence: missense variant.
Genome position (GRCh38, 1-based): chr1:214,640,956, T>G. VCF-style: chr1-214640956-T-G. GRCh37 (hg19) VCF-style: chr1-214814299-T-G.
Other names: short protein forms M873R.
Identifiers: ClinVar variation 2634681 (VCV002634681.2), dbSNP rs373161735, ClinGen allele CA1390282.